The following is an entry in ClinVar:

NR_199791.1(RNU2-2):n.37T>G

Genes: RNU2-2 (RNA, U2 small nuclear 2; minus strand), WDR74 (WD repeat domain 74; minus strand). Cytogenetic location: 11q12.3.
Variant type: single nucleotide variant.
Molecular consequence: non-coding transcript variant (on NR_199791.1). On other transcripts: 5 prime UTR variant (1).
Genome position: GRCh38 VCF-style: chr11-62841773-A-C. GRCh37 (hg19) VCF-style: chr11-62609245-A-C.
Other names: c.-502T>G (NM_001369451.1).
Identifiers: ClinVar variation 4540473 (VCV004540473.1).
Genomic context (GRCh38, chr11:62,841,773, plus strand): 5'-CATTTAATATATTGTCCTCGGATAGAGGACGTATCAGATATTAAACTGATAAGAACAGAT[A>C]CTACACTTGATCTTAGCCAAAAGGCCGAGAAGCGATACCTTTACTTCGGTCGCCTCGGCG-3'

ClinVar aggregate classification (germline): Likely pathogenic (1 of 4 stars; one submission).

Conditions:
RNU2-2 related disorder.

gnomAD v4.1: 1 of 152,234 alleles (0.00066%); highest among the groups gnomAD compares: Admixed American, 0.0065%; no homozygotes.

Submission:

Institute for Human Genetics, University Hospital Essen
Classification: Likely pathogenic for RNU2-2 related disorder. Last evaluated: 2025-11-27. Review status: criteria provided, single submitter. Criteria: Submitter's publication. Collection method: clinical testing. Allele origin: de novo. Inheritance: Autosomal recessive inheritance. Affected: yes. Observed: 2 variant alleles, 2 compound heterozygotes.
Comment: PS2_mod, PS4_supp, PM1, PM2_supp (criteria rationale detailed in Leitão et al. Nature Genetics 2026)